The following is an entry in ClinVar:

NM_001458.5(FLNC):c.2650_2652delinsTTG (p.Val884Leu)

Gene: FLNC (filamin C; plus strand). Cytogenetic location: 7q32.1.
Variant type: Indel.
Coding change: c.2650_2652delinsTTG on transcript NM_001458.5 (MANE Select); coding-DNA positions 2650 to 2652, GTC replaced by TTG.
Protein change: p.Val884Leu; replaces valine 884 with leucine.
Molecular consequence: missense variant.
Genome position (GRCh38, 1-based): chr7:128,843,416-128,843,418, GTC replaced by TTG. VCF-style: chr7-128843416-GTC-TTG. GRCh37 (hg19) VCF-style: chr7-128483470-GTC-TTG.
Other names: c.2650_2652delinsTTG, p.Val884Leu (NM_001127487.2); short protein forms V884L.
Identifiers: ClinVar variation 3365519 (VCV003365519.3).

ClinVar aggregate classification (germline): Uncertain significance. Review status: criteria provided, multiple submitters, no conflicts (2 of 4 stars). 2 submissions from 2 submitters: Uncertain significance (2). Last evaluated 2026-07-17.

Conditions:
Cardiovascular phenotype. Identifiers: MedGen CN230736.

Submissions (2):

GeneDx
Classification: Uncertain significance. Last evaluated: 2026-07-17. Review status: criteria provided, single submitter. Criteria: GeneDx Variant Classification Process June 2021. Collection method: clinical testing. Allele origin: germline.
Comment: In silico analysis supports a deleterious effect on protein structure/function; Has not been previously published as pathogenic or benign to our knowledge; Not observed at significant frequency in large population cohorts (gnomAD)

Ambry Genetics
Classification: Uncertain significance for Cardiovascular phenotype. Last evaluated: 2025-07-09. Review status: criteria provided, single submitter. Criteria: Ambry Variant Classification Scheme 2023. Collection method: clinical testing. Allele origin: germline.
Comment: The c.2650_2652delGTCinsTTG variant, located in coding exon 18 of the FLNC gene, results from an in-frame deletion of GTC and insertion of TTG at nucleotide positions 2650 to 2652. This results in the substitution of the valine residue for a leucine residue at codon 884, an amino acid with highly similar properties. This amino acid position is well conserved in available vertebrate species. In addition, this variant is predicted to be neutral by in silico analysis (Choi Y et al. PLoS ONE. 2012; 7(10):e46688). Based on the available evidence, the clinical significance of this variant remains unclear.